The following is an entry in ClinVar:

NM_015346.4(ZFYVE26):c.2164_2170del (p.Leu722fs)

Gene: ZFYVE26 (zinc finger FYVE-type containing 26; minus strand). Cytogenetic location: 14q24.1.
Variant type: Deletion.
Coding change: c.2164_2170del on transcript NM_015346.4 (MANE Select); coding-DNA positions 2164 to 2170, 7 bases deleted (CTGCAGA; older notation c.2164_2170delCTGCAGA).
Protein change: p.Leu722fs; shifts the reading frame from leucine 722.
Molecular consequence: frameshift variant.
Genome position (GRCh38, 1-based): chr14:67,798,092-67,798,098, TCTGCAG deleted on the plus strand (CTGCAGA on the coding strand, the reverse complement: ZFYVE26 is on the minus strand); deleting any 7 consecutive bases within chr14:67,798,092-67,798,100 gives the same sequence; the c. name uses the placement nearest the transcript's 3' end. VCF-style (leftmost placement, unchanged base first): chr14-67798091-CTCTGCAG-C. GRCh37 (hg19) VCF-style: chr14-68264808-CTCTGCAG-C.
Other names: short protein forms L722fs.
Identifiers: ClinVar variation 3639700 (VCV003639700.2).
Genomic context (GRCh38, chr14:67,798,091, plus strand): 5'-GTCACCACCTTGTGTCTCCACTGGGCCTCAGAGACAACCTTGGAAAGTCGATGCAGGCGG[CTCTGCAG>C]TCCATCTCTGCTTCCTGAGCAGCTCTGACTTTCTTGCTTTGGCTTCTCAGGAGGGCTGCG-3'

ClinVar aggregate classification (germline): Pathogenic (1 of 4 stars; one submission).

Conditions:
Spastic paraplegia. Identifiers: MedGen C0037772, HP:0001258.

Submission:

Labcorp Genetics (formerly Invitae), Labcorp
Classification: Pathogenic for Spastic paraplegia. Last evaluated: 2024-02-08. Review status: criteria provided, single submitter. Criteria: Invitae Variant Classification Sherloc (09022015). Collection method: clinical testing. Allele origin: germline.
Comment: This sequence change creates a premature translational stop signal (p.Leu722Alafs*20) in the ZFYVE26 gene. It is expected to result in an absent or disrupted protein product. Loss-of-function variants in ZFYVE26 are known to be pathogenic (PMID: 18394578, 19805727). This variant is not present in population databases (gnomAD no frequency). This variant has not been reported in the literature in individuals affected with ZFYVE26-related conditions. For these reasons, this variant has been classified as Pathogenic.

Literature cited by the submitters: PubMed 18394578; PubMed 19805727.